The following is an entry in ClinVar:

NM_000059.4(BRCA2):c.3794G>C (p.Cys1265Ser)

Gene: BRCA2 (BRCA2 DNA repair associated; plus strand). Cytogenetic location: 13q13.1.
Variant type: single nucleotide variant.
Coding change: c.3794G>C on transcript NM_000059.4 (MANE Select); coding-DNA position 3794, G replaced by C.
Protein change: p.Cys1265Ser; replaces cysteine 1265 with serine.
Molecular consequence: missense variant.
Genome position (GRCh38, 1-based): chr13:32,338,149, G>C. VCF-style: chr13-32338149-G-C. GRCh37 (hg19) VCF-style: chr13-32912286-G-C.
Other names: short protein forms C1265S.
Identifiers: ClinVar variation 824221 (VCV000824221.6), dbSNP rs397507315, ClinGen allele CA387778388.

ClinVar aggregate classification (germline): Conflicting classifications of pathogenicity. Review status: criteria provided, conflicting classifications (1 of 4 stars). 2 submissions from 2 submitters: Uncertain significance (1); Likely benign (1). Last evaluated 2023-03-23.

Conditions:
Hereditary cancer-predisposing syndrome. Also called: Neoplastic Syndromes, Hereditary; Tumor predisposition; Hereditary neoplastic syndrome; Hereditary Cancer Syndrome. Identifiers: Orphanet 140162, MedGen C0027672, MeSH D009386, MONDO:0015356.

Submissions (2):

University of Washington Department of Laboratory Medicine, University of Washington
Classification: Likely benign for Hereditary cancer-predisposing syndrome. Last evaluated: 2023-03-23. Review status: criteria provided, single submitter. Criteria: Dines et al. (Genet Med. 2020). Collection method: curation. Allele origin: germline.
Comment: Missense variant in a coldspot region where missense variants are very unlikely to be pathogenic (PMID:31911673).

BRCA2 exon 11 coldspot. Reclassification based on statistical prior probability.

Ambry Genetics
Classification: Uncertain significance for Hereditary cancer-predisposing syndrome. Last evaluated: 2018-02-20. Review status: criteria provided, single submitter. Criteria: Ambry Variant Classification Scheme 2023. Collection method: clinical testing. Allele origin: germline.
Comment: The p.C1265S variant (also known as c.3794G>C), located in coding exon 10 of the BRCA2 gene, results from a G to C substitution at nucleotide position 3794. The cysteine at codon 1265 is replaced by serine, an amino acid with dissimilar properties. p.C1265S (c.4021T>A) has been classified as neutral by multifactorial analysis, which integrates the following lines of evidence to produce a quantitative likelihood of pathogenicity: in silico prediction models, segregation with disease, tumor characteristics, and mutation co-occurrence (Chenevix-Trench G et al. Cancer Res. 2006 Feb;66(4):2019-27). This amino acid position is poorly conserved in available vertebrate species. In addition, this alteration is predicted to be tolerated by in silico analysis. Since supporting evidence is limited at this time, the clinical significance of this alteration remains unclear.